The following is an entry in ClinVar:

NM_001267550.2(TTN):c.10654G>C (p.Ala3552Pro)

Gene: TTN (titin; minus strand). Cytogenetic location: 2q31.2.
Variant type: single nucleotide variant.
Coding change: c.10654G>C on transcript NM_001267550.2 (MANE Select); coding-DNA position 10654, G replaced by C.
Protein change: p.Ala3552Pro; replaces alanine 3552 with proline.
Molecular consequence: missense variant. On other transcripts: intron variant (5).
Genome position (GRCh38, 1-based): chr2:178,757,566, C>G on the plus strand (G>C on the coding strand, the complement: TTN is on the minus strand). VCF-style: chr2-178757566-C-G. GRCh37 (hg19) VCF-style: chr2-179622293-C-G.
Other names: c.10654G>C (NM_001267550.1); c.10516G>C, p.Ala3506Pro (NM_133432.3); c.10165+1418G>C (NM_003319.4); c.10166-769G>C (NM_133437.4); c.10303+1418G>C (NM_133378.4, NM_001256850.1, NM_133379.5); short protein forms A3552P, A3506P.
Identifiers: ClinVar variation 466756 (VCV000466756.47), dbSNP rs774004409, ClinGen allele CA2004068.

ClinVar aggregate classification (germline): Conflicting classifications of pathogenicity. Review status: criteria provided, conflicting classifications (1 of 4 stars). 5 submissions from 5 submitters: Uncertain significance (4); Likely benign (1). Last evaluated 2025-04-09.

Conditions:
Early-onset myopathy with fatal cardiomyopathy (CMYO5). Also called: Salih Myopathy; CONGENITAL MYOPATHY 5 WITH CARDIOMYOPATHY. Identifiers: Orphanet 289377, MedGen C2673677, MONDO:0012714, OMIM 611705. Disease mechanism: loss of function.
Tibial muscular dystrophy (TMD). Also called: UDD MYOPATHY; Tibial muscular dystrophy, tardive; Udd Distal Myopathy – Tibial Muscular Dystrophy. Identifiers: Orphanet 609, MedGen C1838244, MONDO:0010870, OMIM 600334.
Dilated cardiomyopathy 1G (CMD1G). Identifiers: Orphanet 154, MedGen C1858763, MONDO:0011400, OMIM 604145.
Myopathy, myofibrillar, 9, with early respiratory failure (MFM9). Also called: Hereditary myopathy with early respiratory failure; MYOPATHY, PROXIMAL, WITH EARLY RESPIRATORY MUSCLE INVOLVEMENT; Myopathy, distal, with early respiratory failure, autosomal dominant; EDSTROM MYOPATHY. Identifiers: Orphanet 178464, Orphanet 34521, MedGen C1863599, MONDO:0011362, OMIM 603689.
Hypertrophic cardiomyopathy 9. Also called: Familial hypertrophic cardiomyopathy 9. Identifiers: MedGen C1861065, MONDO:0013412, OMIM 613765.
Autosomal recessive limb-girdle muscular dystrophy type 2J (LGMDR10). Also called: Limb-girdle muscular dystrophy, type 2J; MUSCULAR DYSTROPHY, LIMB-GIRDLE, AUTOSOMAL RECESSIVE 10. Identifiers: Orphanet 140922, MedGen C1837342, MONDO:0012127, OMIM 608807.

Allele frequency attached by ClinVar (database versions not stated): gnomAD exomes 0.00003 and 0.00009; ExAC 0.00004; gnomAD 0.00005; TOPMed 0.00008.
gnomAD v4.1: 136 of 1,589,316 alleles (0.0086%); highest among the groups gnomAD compares: Non-Finnish European, 0.011%; no homozygotes.

Submissions (5):

Molecular Diagnostic Laboratory for Inherited Cardiovascular Disease, Montreal Heart Institute
Classification: Likely benign. Last evaluated: 2025-04-09. Review status: criteria provided, single submitter. Criteria: ACMG Guidelines, 2015. Collection method: clinical testing. Allele origin: germline. Affected: no.

Athena Diagnostics
Classification: Uncertain significance. Last evaluated: 2022-12-14. Review status: criteria provided, single submitter. Criteria: Athena Diagnostics Criteria. Collection method: clinical testing. Allele origin: unknown.
Comment: Available data are insufficient to determine the clinical significance of the variant at this time. The frequency of this variant in the general population is uninformative in assessment of its pathogenicity. This variant is in a coding region of the longest isoform of TTN, inferred model NM_001267550.1, however, it is in a non-coding region of the main skeletal and cardiac muscle isoforms of TTN.

Fulgent Genetics
Classification: Uncertain significance for Tibial muscular dystrophy; Myopathy, myofibrillar, 9, with early respiratory failure; Dilated cardiomyopathy 1G; Autosomal recessive limb-girdle muscular dystrophy type 2J; Early-onset myopathy with fatal cardiomyopathy; Hypertrophic cardiomyopathy 9. Last evaluated: 2021-09-07. Review status: criteria provided, single submitter. Criteria: ACMG Guidelines, 2015. Collection method: clinical testing. Allele origin: unknown.

CeGaT Center for Human Genetics Tuebingen
Classification: Uncertain significance. Last evaluated: 2018-04-01. Review status: criteria provided, single submitter. Criteria: CeGaT Center For Human Genetics Tuebingen Variant Classification Criteria Version 2. Collection method: clinical testing. Allele origin: germline. Affected: yes. Observed: 1 variant allele.

Labcorp Genetics (formerly Invitae), Labcorp
Classification: Uncertain significance for Dilated cardiomyopathy 1G; Autosomal recessive limb-girdle muscular dystrophy type 2J. Last evaluated: 2017-01-31. Review status: criteria provided, single submitter. Criteria: Invitae Variant Classification Sherloc (09022015). Collection method: clinical testing. Allele origin: germline.